The following is an entry in ClinVar:

ClinVar aggregate classification (germline): Uncertain significance (1 of 4 stars; one submission).

Submission:

Labcorp Genetics (formerly Invitae), Labcorp
Classification: Uncertain significance. Last evaluated: 2023-04-29. Review status: criteria provided, single submitter. Criteria: Invitae Variant Classification Sherloc (09022015). Collection method: clinical testing. Allele origin: germline.
Comment: In summary, the available evidence is currently insufficient to determine the role of this variant in disease. Therefore, it has been classified as a Variant of Uncertain Significance. This variant has not been reported in the literature in individuals affected with KAT6A-related conditions. This variant is present in population databases (rs755864529, gnomAD 0.004%). This variant, c.4973_4981dup, results in the insertion of 3 amino acid(s) of the KAT6A protein (p.Gln1658_Gln1660dup), but otherwise preserves the integrity of the reading frame.

NM_006766.5(KAT6A):c.4973_4981dup (p.Gln1660_Pro1661insGlnProGln)

Gene: KAT6A (lysine acetyltransferase 6A; minus strand). Cytogenetic location: 8p11.21.
Variant type: Duplication.
Coding change: c.4973_4981dup on transcript NM_006766.5 (MANE Select); coding-DNA positions 4973 to 4981, 9 bases duplicated (AGCCACAGC; older notation c.4973_4981dupAGCCACAGC).
Protein change: p.Gln1660_Pro1661insGlnProGln.
Molecular consequence: inframe insertion.
Genome position (GRCh38, 1-based): chr8:41,933,239-41,933,247, GCTGTGGCT duplicated on the plus strand (AGCCACAGC on the coding strand, the reverse complement: KAT6A is on the minus strand); duplicating any 9 consecutive bases within chr8:41,933,239-41,933,254 gives the same sequence; the c. name uses the placement nearest the transcript's 3' end. VCF-style (leftmost placement, unchanged base first): chr8-41933238-G-GGCTGTGGCT. GRCh37 (hg19) VCF-style: chr8-41790756-G-GGCTGTGGCT.
Identifiers: ClinVar variation 2890595 (VCV002890595.3), dbSNP rs755864529, ClinGen allele CA4729392.